The following is an entry in ClinVar:

NM_000222.3(KIT):c.2142-1G>A

Gene: KIT (KIT proto-oncogene, receptor tyrosine kinase; plus strand). Cytogenetic location: 4q12.
Variant type: single nucleotide variant.
Coding change: c.2142-1G>A on transcript NM_000222.3 (MANE Select); the canonical splice acceptor site of the intron before coding-DNA position 2142, G replaced by A.
Molecular consequence: splice acceptor variant. On other transcripts: intron variant (4).
Genome position (GRCh38, 1-based): chr4:54,731,327, G>A. VCF-style: chr4-54731327-G-A. GRCh37 (hg19) VCF-style: chr4-55597493-G-A.
Other names: c.2145-1G>A (NM_001385284.1); c.2145-4G>A (NM_001385290.1); c.2133-1G>A (NM_001385288.1); c.2133-4G>A (NM_001385292.1); c.2142-4G>A (NM_001385285.1); c.2130-1G>A (NM_001093772.2); c.2130-4G>A (NM_001385286.1).
Identifiers: ClinVar variation 2035526 (VCV002035526.4), dbSNP rs2109792066, ClinGen allele CA356910052.
Genomic context (GRCh38, chr4:54,731,327, plus strand): 5'-CCATGAGTGCCCTTCTACATGTCCCACTTGATTCAGTCATGACTTGTTTCATCTCTCCCA[G>A]CAGCGATAGTACTAATGAGTACATGGACATGAAACCTGGAGTTTCTTATGTTGTCCCAAC-3'

ClinVar aggregate classification (germline): Likely pathogenic (1 of 4 stars; one submission).

Conditions:
Gastrointestinal stromal tumor. Also called: Gastrointestinal stroma tumor; Gastrointestinal stromal tumor, somatic. Identifiers: Orphanet 44890, MedGen C0238198, MeSH D046152, MONDO:0011719, OMIM 606764, HP:0100723.

Submission:

Labcorp Genetics (formerly Invitae), Labcorp
Classification: Likely pathogenic for Gastrointestinal stromal tumor. Last evaluated: 2022-10-14. Review status: criteria provided, single submitter. Criteria: Invitae Variant Classification Sherloc (09022015). Collection method: clinical testing. Allele origin: germline.
Comment: In summary, the currently available evidence indicates that the variant is pathogenic, but additional data are needed to prove that conclusively. Therefore, this variant has been classified as Likely Pathogenic. Algorithms developed to predict the effect of sequence changes on RNA splicing suggest that this variant may disrupt the consensus splice site. This variant has not been reported in the literature in individuals affected with KIT-related conditions. This variant is not present in population databases (gnomAD no frequency). This sequence change affects an acceptor splice site in intron 14 of the KIT gene. It is expected to disrupt RNA splicing. Variants that disrupt the donor or acceptor splice site typically lead to a loss of protein function (PMID: 16199547), and loss-of-function variants in KIT are known to be pathogenic (PMID: 15194144).

Literature cited by the submitters: PubMed 16199547; PubMed 15194144.